The following is an entry in ClinVar:

ClinVar aggregate classification (germline): Uncertain significance (1 of 4 stars; one submission).

Conditions:
Neurodevelopmental disorder with hypotonia, stereotypic hand movements, and impaired language. Also called: Intellectual disability, autosomal dominant 20. Identifiers: Orphanet 228384, Orphanet 664410, MedGen C3150700, MONDO:0013266, OMIM 613443.

Submission:

Labcorp Genetics (formerly Invitae), Labcorp
Classification: Uncertain significance for Neurodevelopmental disorder with hypotonia, stereotypic hand movements, and impaired language. Last evaluated: 2019-04-19. Review status: criteria provided, single submitter. Criteria: Invitae Variant Classification Sherloc (09022015). Collection method: clinical testing. Allele origin: germline.
Comment: This sequence change replaces threonine with alanine at codon 20 of the MEF2C protein (p.Thr20Ala). The threonine residue is highly conserved and there is a small physicochemical difference between threonine and alanine. This variant is not present in population databases (ExAC no frequency). This variant has not been reported in the literature in individuals with MEF2C-related conditions. Algorithms developed to predict the effect of missense changes on protein structure and function are either unavailable or do not agree on the potential impact of this missense change (SIFT: "Deleterious"; PolyPhen-2: "Probably Damaging"; Align-GVGD: "Class C0"). In summary, the available evidence is currently insufficient to determine the role of this variant in disease. Therefore, it has been classified as a Variant of Uncertain Significance.

NM_002397.5(MEF2C):c.58A>G (p.Thr20Ala)

Gene: MEF2C (myocyte enhancer factor 2C; minus strand). Cytogenetic location: 5q14.3.
Variant type: single nucleotide variant.
Coding change: c.58A>G on transcript NM_002397.5 (MANE Select); coding-DNA position 58, A replaced by G.
Protein change: p.Thr20Ala; replaces threonine 20 with alanine.
Molecular consequence: missense variant.
Genome position (GRCh38, 1-based): chr5:88,804,798, T>C on the plus strand (A>G on the coding strand, the complement: MEF2C is on the minus strand). VCF-style: chr5-88804798-T-C. GRCh37 (hg19) VCF-style: chr5-88100615-T-C.
Other names: c.58A>G, p.Thr20Ala (NM_001131005.2, NM_001193347.1, NM_001193348.1 and 29 more transcripts); short protein forms T20A.
Identifiers: ClinVar variation 853984 (VCV000853984.10), dbSNP rs1554139870, ClinGen allele CA360425221.
Genomic context (GRCh38, chr5:88,804,798, plus strand): 5'-CACACAGCACGCTCAGCTCATAAGCCTTCTTCATCAACCCAAATTTCCTCTTTGTAAATG[T>C]CACCTAGAAAAAAGAAAGCAGCCAAGATTTTTTAAAAAATATTCATGCATGTGTGGTTTT-3'
Protein context (NP_002388.2, residues 10-30): RIMDERNRQV[Thr20Ala]FTKRKFGLMK